The following is an entry in ClinVar:

ClinVar aggregate classification (germline): Likely benign. Review status: criteria provided, multiple submitters, no conflicts (2 of 4 stars). 3 submissions from 3 submitters: Likely benign (3). Last evaluated 2024-10-12.

Conditions:
Inborn genetic diseases. Identifiers: MedGen C0950123, MeSH D030342.
Early-infantile DEE. Also called: Ohtahara syndrome; Early infantile epileptic encephalopathy; Early infantile epileptic encephalopathy with suppression bursts. Identifiers: Orphanet 1934, MedGen C0393706, MONDO:0800491.

Allele frequency attached by ClinVar (database versions not stated): gnomAD 0.00004; TOPMed 0.00006; gnomAD exomes 0.00009.
gnomAD v4.1: 153 of 1,536,762 alleles (0.01%); highest among the groups gnomAD compares: East Asian, 0.38%; 1 homozygote.

Submissions (3):

Labcorp Genetics (formerly Invitae), Labcorp
Classification: Likely benign for Early-infantile DEE. Last evaluated: 2024-10-12. Review status: criteria provided, single submitter. Criteria: Invitae Variant Classification Sherloc (09022015). Collection method: clinical testing. Allele origin: germline.

Ambry Genetics
Classification: Likely benign for Inborn genetic diseases. Last evaluated: 2018-01-16. Review status: criteria provided, single submitter. Criteria: Ambry Variant Classification Scheme 2023. Collection method: clinical testing. Allele origin: germline.

GeneDx
Classification: Likely benign. Last evaluated: 2013-01-23. Review status: criteria provided, single submitter. Criteria: GeneDx Variant Classification (06012015). Collection method: clinical testing. Allele origin: germline. Affected: yes.
Comment: This variant is considered likely benign or benign based on one or more of the following criteria: it is a conservative change, it occurs at a poorly conserved position in the protein, it is predicted to be benign by multiple in silico algorithms, and/or has population frequency not consistent with disease.

NM_172107.4(KCNQ2):c.185C>T (p.Ala62Val)

Gene: KCNQ2 (potassium voltage-gated channel subfamily Q member 2; minus strand). Cytogenetic location: 20q13.33.
Variant type: single nucleotide variant.
Coding change: c.185C>T on transcript NM_172107.4 (MANE Select); coding-DNA position 185, C replaced by T.
Protein change: p.Ala62Val; replaces alanine 62 with valine.
Molecular consequence: missense variant.
Genome position (GRCh38, 1-based): chr20:63,472,279, G>A on the plus strand (C>T on the coding strand, the complement: KCNQ2 is on the minus strand). VCF-style: chr20-63472279-G-A. GRCh37 (hg19) VCF-style: chr20-62103632-G-A.
Other names: p.A62V:GCG>GTG; c.185C>T, p.Ala62Val (NM_004518.6, NM_172106.3, NM_172108.5 and 1 more transcripts); short protein forms A62V.
Identifiers: ClinVar variation 205857 (VCV000205857.12), dbSNP rs796052612, ClinGen allele CA315336.
Genomic context (GRCh38, chr20:63,472,279, plus strand): 5'-TAGAGGAAATTCTGCAGCTTGCGGTAGAAGGCGTTGCGCTTGGGGGGCTTCCCGGCGCCC[G>A]CGCCGCCCGCGCGAGGTTTGCTGAGGATGCTGCCGCGCTTGGGGGCCTCGGAGCCGGCGA-3'
Protein context (NP_742105.1, residues 52-72): SILSKPRAGG[Ala62Val]GAGKPPKRNA